The following is an entry in ClinVar:

ClinVar aggregate classification (germline): Pathogenic/Likely pathogenic. Review status: criteria provided, multiple submitters, no conflicts (2 of 4 stars). 2 submissions from 2 submitters: Pathogenic (1); Likely pathogenic (1). Last evaluated 2026-02-05.

Conditions:
Autosomal recessive polycystic kidney disease (ARPKD). Also called: AR polycystic kidney disease. Identifiers: Orphanet 731, Orphanet 8378, MedGen C0085548, MeSH D017044, MONDO:0009889.
Polycystic kidney disease 4 (PKD4). Also called: Autosomal Recessive Polycystic Kidney Disease – PKHD1; POLYCYSTIC KIDNEY AND HEPATIC DISEASE 1; POLYCYSTIC KIDNEY DISEASE, INFANTILE, TYPE I; POLYCYSTIC KIDNEY DISEASE 4 WITH OR WITHOUT POLYCYSTIC LIVER DISEASE; PKD3. Identifiers: MedGen C4540575, MONDO:0033004, OMIM 263200.

Submissions (2):

Myriad Genetics, Inc.
Classification: Pathogenic for Polycystic kidney disease 4. Last evaluated: 2026-02-05. Review status: criteria provided, single submitter. Criteria: Myriad Autosomal Dominant, Autosomal Recessive and X-Linked Classification Criteria (2023). Collection method: clinical testing. Allele origin: unknown.
Comment: NM_138694.3(PKHD1):c.4321delA(I1441Ffs*19) is expected to be pathogenic in the context of autosomal recessive polycystic kidney disease, PKHD1-related. This variant is predicted to lead to an abnormal or absent protein product due to the creation of a premature termination codon in PKHD1, a gene where loss-of-function variants are known to be pathogenic. Please note: this variant was assessed in the context of healthy population screening.

Natera, Inc.
Classification: Likely pathogenic for Autosomal recessive polycystic kidney disease. Last evaluated: 2025-07-17. Review status: criteria provided, single submitter. Criteria: Natera Variant Classification Schema (03/2026). Collection method: clinical testing. Allele origin: germline.
Comment: The c.4321del variant in PKHD1 is a frameshift variant predicted to shift the reading frame beginning at codon 1441 and leads to a stop codon 19 codons downstream. This variant is expected to result in nonsense mediated decay, truncation, or a dysfunctional protein product. This variant is rare in the general population with a frequency below the threshold expected for the associated phenotype(s). Given the available evidence, this variant is classified as Likely Pathogenic.

NM_138694.4(PKHD1):c.4321del (p.Ile1441fs)

Gene: PKHD1 (PKHD1 ciliary IPT domain containing fibrocystin/polyductin; minus strand). Cytogenetic location: 6p12.2.
Variant type: Deletion.
Coding change: c.4321del on transcript NM_138694.4 (MANE Select); coding-DNA position 4321, one base deleted (A; older notation c.4321delA).
Protein change: p.Ile1441fs; shifts the reading frame from isoleucine 1441.
Molecular consequence: frameshift variant.
Genome position (GRCh38, 1-based): chr6:52,025,489, T deleted on the plus strand (A on the coding strand, the reverse complement: PKHD1 is on the minus strand). VCF-style (leftmost placement, unchanged base first): chr6-52025488-AT-A. GRCh37 (hg19) VCF-style: chr6-51890286-AT-A.
Other names: c.4321del, p.Ile1441fs (NM_170724.3); short protein forms I1441fs.
Identifiers: ClinVar variation 4816662 (VCV004816662.2).